The following is an entry in ClinVar:

ClinVar aggregate classification (germline): Uncertain significance. Review status: criteria provided, multiple submitters, no conflicts (2 of 4 stars). 2 submissions from 2 submitters: Uncertain significance (2). Last evaluated 2025-02-27.

Conditions:
DMXL2-related disorder. Also called: DMXL2-related condition.

gnomAD v4.1: 4 of 1,613,886 alleles (0.00025%); highest among the groups gnomAD compares: Admixed American, 0.005%; no homozygotes.

Submissions (2):

Mayo Clinic Laboratories, Mayo Clinic
Classification: Uncertain significance. Last evaluated: 2025-02-27. Review status: criteria provided, single submitter. Criteria: ACMG Guidelines, 2015. Collection method: clinical testing. Allele origin: germline. Observed: 1 variant allele.
Comment: PM2_moderate

PreventionGenetics, part of Exact Sciences
Classification: Uncertain significance for DMXL2-related condition. Last evaluated: 2025-02-19. Review status: criteria provided, single submitter. Criteria: ACMG Guidelines, 2015. Collection method: clinical testing. Allele origin: germline.
Comment: The DMXL2 c.4253G>A variant is predicted to result in the amino acid substitution p.Arg1418Gln. To our knowledge, this variant has not been reported in the literature. This variant is reported in 0.0029% of alleles in individuals of Latino descent in gnomAD. At this time, the clinical significance of this variant is uncertain due to the absence of conclusive functional and genetic evidence.

NM_001378457.1(DMXL2):c.4253G>A (p.Arg1418Gln)

Gene: DMXL2 (Dmx like 2; minus strand). Cytogenetic location: 15q21.2.
Variant type: single nucleotide variant.
Coding change: c.4253G>A on transcript NM_001378457.1 (MANE Select); coding-DNA position 4253, G replaced by A.
Protein change: p.Arg1418Gln; replaces arginine 1418 with glutamine.
Molecular consequence: missense variant. On other transcripts: non-coding transcript variant (2), intron variant (2).
Genome position (GRCh38, 1-based): chr15:51,498,971, C>T on the plus strand (G>A on the coding strand, the complement: DMXL2 is on the minus strand). VCF-style: chr15-51498971-C-T. GRCh37 (hg19) VCF-style: chr15-51791168-C-T.
Other names: p.Arg1418Gln; c.4253G>A, p.Arg1418Gln (NM_001174116.3, NM_001378458.1, NM_001378459.1 and 4 more transcripts); c.4013G>A, p.Arg1338Gln (NM_001378464.1); c.2765-7224G>A (NM_001378460.1); c.2765-3837G>A (NM_001174117.3); c.4253G>A (NM_001174116.1); short protein forms R1338Q, R1418Q.
Identifiers: ClinVar variation 4541950 (VCV004541950.2).